The following is an entry in ClinVar:

ClinVar aggregate classification (germline): Uncertain significance (1 of 4 stars; one submission).

Conditions:
Hereditary pancreatitis (PCTT). Also called: PRSS1-Related Hereditary Pancreatitis; Hereditary chronic pancreatitis. Identifiers: Orphanet 676, MedGen C0238339, MONDO:0008185, OMIM 167800.

Allele frequency attached by ClinVar (database versions not stated): gnomAD exomes below 0.00001.

Submission:

Ambry Genetics
Classification: Uncertain significance for Hereditary pancreatitis. Last evaluated: 2025-07-17. Review status: criteria provided, single submitter. Criteria: Ambry Variant Classification Scheme 2023. Collection method: clinical testing. Allele origin: germline.
Comment: The p.E80K variant (also known as c.238G>A), located in coding exon 3 of the CPA1 gene, results from a G to A substitution at nucleotide position 238. The glutamic acid at codon 80 is replaced by lysine, an amino acid with similar properties. This amino acid position is conserved. In addition, this alteration is predicted to be tolerated by in silico analysis. Since supporting evidence is limited at this time, the clinical significance of this alteration remains unclear.

NM_001868.4(CPA1):c.238G>A (p.Glu80Lys)

Gene: CPA1 (carboxypeptidase A1; plus strand). Cytogenetic location: 7q32.2.
Variant type: single nucleotide variant.
Coding change: c.238G>A on transcript NM_001868.4 (MANE Select); coding-DNA position 238, G replaced by A.
Protein change: p.Glu80Lys; replaces glutamic acid 80 with lysine.
Molecular consequence: missense variant.
Genome position (GRCh38, 1-based): chr7:130,381,720, G>A. VCF-style: chr7-130381720-G-A. GRCh37 (hg19) VCF-style: chr7-130021561-G-A.
Other names: short protein forms E80K.
Identifiers: ClinVar variation 1790547 (VCV001790547.3), dbSNP rs1796407252, ClinGen allele CA369279945.